The following is an entry in ClinVar:

ClinVar aggregate classification (germline): Pathogenic (1 of 4 stars; one submission).

Conditions:
Sensorineural hearing loss disorder. Also called: Sensorineural Deafness; Sensorineural hearing impairment; Sensorineural hearing loss. Identifiers: MedGen C0018784, MeSH D006319, MONDO:0020678, HP:0000407.

Submission:

Cytogenetics and Molecular Genetics Section, Pathology Unit, BARC Hospital, Bhabha Atomic Research Centre
Classification: Pathogenic for Sensorineural hearing loss disorder. Last evaluated: 2021-12-06. Review status: criteria provided, single submitter. Criteria: ACMG Guidelines, 2015. Collection method: research. Allele origin: germline. Inheritance: Autosomal recessive inheritance. Affected: yes and no. Observed: 3 heterozygotes, 1 homozygote. Clinical features observed: Hearing impairment (HP:0000365), Sensorineural hearing loss disorder (HP:0000407), Severe hearing impairment (HP:0012714), Severe sensorineural hearing impairment (HP:0008625), Childhood onset sensorineural hearing impairment (HP:0011474), Congenital sensorineural hearing impairment (HP:0008527), Bilateral sensorineural hearing impairment (HP:0008619).
Comment: This variant is absent from our in-house other family database, Gnomad, 1000Genomes, IGIB-SAGE and other known population database. CDH23 gene is known to be associated with Hearing Loss. As it is a novel invariant Functional studies are also not available.

NM_022124.6(CDH23):c.6571_6593del (p.Thr2191fs)

Gene: CDH23 (cadherin related 23; plus strand). Cytogenetic location: 10q22.1.
Variant type: Deletion.
Coding change: c.6571_6593del on transcript NM_022124.6 (MANE Select); coding-DNA positions 6571 to 6593, 23 bases deleted (ACTGTCATTGCCAATATCACGGC).
Protein change: p.Thr2191fs; shifts the reading frame from threonine 2191.
Molecular consequence: frameshift variant.
Genome position (GRCh38, 1-based): chr10:71,793,499-71,793,521, ACTGTCATTGCCAATATCACGGC deleted; deleting any 23 consecutive bases within chr10:71,793,496-71,793,521 gives the same sequence; the c. name uses the placement nearest the transcript's 3' end. VCF-style (leftmost placement, unchanged base first): chr10-71793495-AGGCACTGTCATTGCCAATATCAC-A. GRCh37 (hg19) VCF-style: chr10-73553252-AGGCACTGTCATTGCCAATATCAC-A.
Other names: short protein forms T2191fs.
Identifiers: ClinVar variation 1810397 (VCV001810397.3), dbSNP rs2494385418, ClinGen allele CA2580081871.